The following is an entry in ClinVar:

NM_001283009.2(RTEL1):c.3184G>A (p.Ala1062Thr)

Genes: RTEL1 (regulator of telomere elongation helicase 1; plus strand), RTEL1-TNFRSF6B (RTEL1-TNFRSF6B readthrough (NMD candidate); plus strand). Cytogenetic location: 20q13.33.
Variant type: single nucleotide variant.
Coding change: c.3184G>A on transcript NM_001283009.2 (MANE Select); coding-DNA position 3184, G replaced by A.
Protein change: p.Ala1062Thr; replaces alanine 1062 with threonine.
Molecular consequence: missense variant. On other transcripts: non-coding transcript variant (1).
Genome position (GRCh38, 1-based): chr20:63,694,815, G>A. VCF-style: chr20-63694815-G-A. GRCh37 (hg19) VCF-style: chr20-62326168-G-A.
Other names: c.3256G>A (NM_032957.4); c.2515G>A, p.Ala839Thr (NM_001283010.1); c.3184G>A, p.Ala1062Thr (NM_016434.4); c.3256G>A, p.Ala1086Thr (NM_032957.5); short protein forms A1086T, A839T, A1062T.
Identifiers: ClinVar variation 1471584 (VCV001471584.10), dbSNP rs773397014, ClinGen allele CA9965896.

ClinVar aggregate classification (germline): Conflicting classifications of pathogenicity. Review status: criteria provided, conflicting classifications (1 of 4 stars). 3 submissions from 3 submitters: Uncertain significance (2); Likely benign (1). Last evaluated 2025-11-24.

Conditions:
Dyskeratosis congenita, autosomal recessive 5 (DKCB5). Identifiers: MedGen C3554656, MONDO:0014076, OMIM 615190.
Pulmonary fibrosis and/or bone marrow failure, Telomere-related, 3. Also called: PULMONARY FIBROSIS AND/OR BONE MARROW FAILURE SYNDROME, TELOMERE-RELATED, 3. Identifiers: Orphanet 2032, MedGen C4225346, MONDO:0014613, OMIM 616373.
Inborn genetic diseases. Identifiers: MedGen C0950123, MeSH D030342.

Allele frequency attached by ClinVar (database versions not stated): gnomAD 0.00001; TOPMed 0.00005; ExAC 0.00006.
gnomAD v4.1: 42 of 1,612,342 alleles (0.0026%); highest among the groups gnomAD compares: Admixed American, 0.015%; no homozygotes.

Submissions (3):

Labcorp Genetics (formerly Invitae), Labcorp
Classification: Uncertain significance for Dyskeratosis congenita, autosomal recessive 5; Pulmonary fibrosis and/or bone marrow failure, Telomere-related, 3. Last evaluated: 2025-11-24. Review status: criteria provided, single submitter. Criteria: Invitae Variant Classification Sherloc (09022015). Collection method: clinical testing. Allele origin: germline.
Comment: This sequence change replaces alanine, which is neutral and non-polar, with threonine, which is neutral and polar, at codon 1062 of the RTEL1 protein (p.Ala1062Thr). This variant is present in population databases (rs773397014, gnomAD 0.02%). This variant has not been reported in the literature in individuals affected with RTEL1-related conditions. ClinVar contains an entry for this variant (Variation ID: 1471584). An algorithm developed to predict the effect of missense changes on protein structure and function outputs the following: PolyPhen-2: "Benign". The threonine amino acid residue is found in multiple mammalian species, which suggests that this missense change does not adversely affect protein function. In summary, the available evidence is currently insufficient to determine the role of this variant in disease. Therefore, it has been classified as a Variant of Uncertain Significance.

GeneDx
Classification: Uncertain significance. Last evaluated: 2024-09-10. Review status: criteria provided, single submitter. Criteria: GeneDx Variant Classification Process June 2021. Collection method: clinical testing. Allele origin: germline. Affected: yes.
Comment: In silico analysis indicates that this missense variant does not alter protein structure/function; Has not been previously published as pathogenic or benign to our knowledge

Ambry Genetics
Classification: Likely benign for Inborn genetic diseases. Last evaluated: 2023-03-06. Review status: criteria provided, single submitter. Criteria: Ambry Variant Classification Scheme 2023. Collection method: clinical testing. Allele origin: germline.